The following is an entry in ClinVar:

NM_000368.5(TSC1):c.287T>C (p.Val96Ala)

Gene: TSC1 (TSC complex subunit 1; minus strand). Cytogenetic location: 9q34.13.
Variant type: single nucleotide variant.
Coding change: c.287T>C on transcript NM_000368.5 (MANE Select); coding-DNA position 287, T replaced by C.
Protein change: p.Val96Ala; replaces valine 96 with alanine.
Molecular consequence: missense variant. On other transcripts: 5 prime UTR variant (1), intron variant (1).
Genome position (GRCh38, 1-based): chr9:132,925,663, A>G on the plus strand (T>C on the coding strand, the complement: TSC1 is on the minus strand). VCF-style: chr9-132925663-A-G. GRCh37 (hg19) VCF-style: chr9-135801050-A-G.
Other names: c.287T>C, p.Val96Ala (NM_001162426.2); c.-77T>C (NM_001362177.2); c.210+1538T>C (NM_001162427.2); short protein forms V96A.
Identifiers: ClinVar variation 231802 (VCV000231802.16), dbSNP rs370243092, ClinGen allele CA034878.

ClinVar aggregate classification (germline): Conflicting classifications of pathogenicity. Review status: criteria provided, conflicting classifications (1 of 4 stars). 3 submissions from 3 submitters: Uncertain significance (2); Likely benign (1). Last evaluated 2024-08-12.

Conditions:
Hereditary cancer-predisposing syndrome. Also called: Hereditary Cancer Syndrome; Neoplastic Syndromes, Hereditary; Tumor predisposition; Hereditary neoplastic syndrome. Identifiers: Orphanet 140162, MedGen C0027672, MeSH D009386, MONDO:0015356.
Tuberous sclerosis 1 (TSC1). Identifiers: Orphanet 805, MedGen C1854465, MONDO:0008612, OMIM 191100.

Allele frequency attached by ClinVar (database versions not stated): gnomAD exomes 0.00001; TOPMed 0.00001; ExAC 0.00002; ESP Exome Variant Server 0.00008.
gnomAD v4.1: 20 of 1,614,236 alleles (0.0012%); highest among the groups gnomAD compares: Non-Finnish European, 0.0014%; no homozygotes.

Submissions (3):

Labcorp Genetics (formerly Invitae), Labcorp
Classification: Likely benign for Tuberous sclerosis 1. Last evaluated: 2024-08-12. Review status: criteria provided, single submitter. Criteria: Invitae Variant Classification Sherloc (09022015). Collection method: clinical testing. Allele origin: germline.

Ambry Genetics
Classification: Uncertain significance for Hereditary cancer-predisposing syndrome. Last evaluated: 2024-07-31. Review status: criteria provided, single submitter. Criteria: Ambry Variant Classification Scheme 2023. Collection method: clinical testing. Allele origin: germline.
Comment: The p.V96A variant (also known as c.287T>C), located in coding exon 3 of the TSC1 gene, results from a T to C substitution at nucleotide position 287. The valine at codon 96 is replaced by alanine, an amino acid with similar properties. This amino acid position is highly conserved in available vertebrate species. In addition, the in silico prediction for this alteration is inconclusive. Based on the available evidence, the clinical significance of this variant remains unclear.

Genome-Nilou Lab
Classification: Uncertain significance for Tuberous sclerosis 1. Last evaluated: 2021-11-07. Review status: criteria provided, single submitter. Criteria: ACMG Guidelines, 2015. Collection method: clinical testing. Allele origin: germline. Affected: no.